The following is an entry in ClinVar:

NM_002617.4(PEX10):c.953A>G (p.Lys318Arg)

Gene: PEX10 (peroxisomal biogenesis factor 10; minus strand). Cytogenetic location: 1p36.32.
Variant type: single nucleotide variant.
Coding change: c.953A>G on transcript NM_002617.4 (MANE Select); coding-DNA position 953, A replaced by G.
Protein change: p.Lys318Arg; replaces lysine 318 with arginine.
Molecular consequence: missense variant. On other transcripts: non-coding transcript variant (1).
Genome position (GRCh38, 1-based): chr1:2,405,794, T>C on the plus strand (A>G on the coding strand, the complement: PEX10 is on the minus strand). VCF-style: chr1-2405794-T-C. GRCh37 (hg19) VCF-style: chr1-2337233-T-C.
Other names: c.1010A>G, p.Lys337Arg (NM_001374425.1); c.578A>G, p.Lys193Arg (NM_001374426.1); c.521A>G, p.Lys174Arg (NM_001374427.1); c.1013A>G, p.Lys338Arg (NM_153818.2); short protein forms K318R, K337R, K174R, K193R, K338R.
Identifiers: ClinVar variation 1418768 (VCV001418768.3), dbSNP rs995942123, ClinGen allele CA16942549.

ClinVar aggregate classification (germline): Uncertain significance (1 of 4 stars; one submission).

Conditions:
Peroxisome biogenesis disorder, complementation group 7 (CG7). Also called: Peroxisome biogenesis disorder, complementation group B. Identifiers: MedGen C1864399.

Submission:

Labcorp Genetics (formerly Invitae), Labcorp
Classification: Uncertain significance for Peroxisome biogenesis disorder, complementation group 7. Last evaluated: 2021-10-08. Review status: criteria provided, single submitter. Criteria: Invitae Variant Classification Sherloc (09022015). Collection method: clinical testing. Allele origin: germline.
Comment: This sequence change replaces lysine with arginine at codon 338 of the PEX10 protein (p.Lys338Arg). The lysine residue is moderately conserved and there is a small physicochemical difference between lysine and arginine. This variant is not present in population databases (ExAC no frequency). This variant has not been reported in the literature in individuals affected with PEX10-related conditions. Algorithms developed to predict the effect of missense changes on protein structure and function (SIFT, PolyPhen-2, Align-GVGD) all suggest that this variant is likely to be tolerated. In summary, the available evidence is currently insufficient to determine the role of this variant in disease. Therefore, it has been classified as a Variant of Uncertain Significance.